The following is an entry in ClinVar:

NM_004086.3(COCH):c.1575_1578del (p.Arg525fs)

Genes: COCH (cochlin; plus strand), COCH-AS1 (COCH antisense RNA 1; minus strand). Cytogenetic location: 14q12.
Variant type: Microsatellite.
Coding change: c.1575_1578del on transcript NM_004086.3 (MANE Select); coding-DNA positions 1575 to 1578, 4 bases deleted (AGAG; older notation c.1575_1578delAGAG).
Protein change: p.Arg525fs; shifts the reading frame from arginine 525.
Molecular consequence: frameshift variant. On other transcripts: non-coding transcript variant (1).
Genome position (GRCh38, 1-based): chr14:30,889,713-30,889,716, AGAG deleted; deleting any 4 consecutive bases within chr14:30,889,711-30,889,716 gives the same sequence; the c. name uses the placement nearest the transcript's 3' end. VCF-style (leftmost placement, unchanged base first): chr14-30889710-AAGAG-A. GRCh37 (hg19) VCF-style: chr14-31358916-AAGAG-A.
Other names: c.1575_1578del, p.Arg525fs (NM_001135058.2); c.1770_1773del, p.Arg590fs (NM_001347720.2); short protein forms R525fs, R590fs.
Identifiers: ClinVar variation 2816284 (VCV002816284.3), dbSNP rs746449866, ClinGen allele CA7143360.

ClinVar aggregate classification (germline): Uncertain significance (1 of 4 stars; one submission).

Submission:

Labcorp Genetics (formerly Invitae), Labcorp
Classification: Uncertain significance. Last evaluated: 2023-11-12. Review status: criteria provided, single submitter. Criteria: Invitae Variant Classification Sherloc (09022015). Collection method: clinical testing. Allele origin: germline.
Comment: This sequence change creates a premature translational stop signal (p.Arg525Serfs*5) in the COCH gene. While this is not anticipated to result in nonsense mediated decay, it is expected to disrupt the last 26 amino acid(s) of the COCH protein. This variant is present in population databases (rs746449866, gnomAD 0.02%). This variant has not been reported in the literature in individuals affected with COCH-related conditions. Experimental studies and prediction algorithms are not available or were not evaluated, and the functional significance of this variant is currently unknown. In summary, the available evidence is currently insufficient to determine the role of this variant in disease. Therefore, it has been classified as a Variant of Uncertain Significance.